The following is an entry in ClinVar:

ClinVar aggregate classification (germline): Pathogenic (1 of 4 stars; one submission).

Conditions:
Wilms tumor 1 (WT1). Also called: Wilms tumor, somatic. Identifiers: Orphanet 654, MedGen CN033288, MONDO:0008679, OMIM 194070.
Frasier syndrome. Identifiers: Orphanet 347, MedGen C0950122, MeSH D052159, MONDO:0007635, OMIM 136680.
Drash syndrome (DDS). Also called: WILMS TUMOR AND PSEUDO- OR TRUE HERMAPHRODITISM; NEPHROPATHY, WILMS TUMOR, AND GENITAL ANOMALIES. Identifiers: Orphanet 220, MedGen C0950121, MONDO:0008682, OMIM 194080.
11p partial monosomy syndrome (WAGR). Also called: WAGR syndrome; WAGR Complex; WAGR Spectrum Disorder; CHROMOSOME 11p13 DELETION SYNDROME. Identifiers: Orphanet 893, MedGen C0206115, MONDO:0008681, OMIM 194072.

Submission:

Labcorp Genetics (formerly Invitae), Labcorp
Classification: Pathogenic for Wilms tumor 1; Drash syndrome; 11p partial monosomy syndrome; Frasier syndrome. Last evaluated: 2025-12-17. Review status: criteria provided, single submitter. Criteria: Invitae Variant Classification Sherloc (09022015). Collection method: clinical testing. Allele origin: germline.
Comment: This sequence change creates a premature translational stop signal (p.Asn241Glnfs*7) in the WT1 gene. It is expected to result in an absent or disrupted protein product. Loss-of-function variants in WT1 are known to be pathogenic (PMID: 15150775). This variant is not present in population databases (gnomAD no frequency). This variant has not been reported in the literature in individuals affected with WT1-related conditions. For these reasons, this variant has been classified as Pathogenic.

Literature cited by the submitters: PubMed 15150775.

NM_024426.6(WT1):c.731dup (p.Asn246fs)

Gene: WT1 (WT1 transcription factor; minus strand). Cytogenetic location: 11p13.
Variant type: Duplication.
Coding change: c.731dup on transcript NM_024426.6 (MANE Select); coding-DNA position 731, one base duplicated (T; older notation c.731dupT).
Protein change: p.Asn246fs; shifts the reading frame from asparagine 246.
Molecular consequence: frameshift variant. On other transcripts: 5 prime UTR variant (1), non-coding transcript variant (2), intron variant (2).
Genome position (GRCh38, 1-based): chr11:32,428,550, A duplicated on the plus strand (T on the coding strand, the reverse complement: WT1 is on the minus strand); the first of 2 consecutive A bases (chr11:32,428,550-32,428,551); duplicating either gives the same sequence. VCF-style (leftmost placement, unchanged base first): chr11-32428549-G-GA. GRCh37 (hg19) VCF-style: chr11-32450095-G-GA.
Other names: c.731dup, p.Asn246fs (NM_001407048.1, NM_001407049.1, NM_000378.6 and 4 more transcripts); c.-32dup (NM_001407051.1); c.512dup, p.Asn173fs (NM_001429031.1, NM_001429032.1, NM_001429033.1 and 1 more transcripts); c.80dup, p.Asn29fs (NM_001198551.2, NM_001198552.2); c.662-492dup (NM_001407050.1, NM_001407047.1); short protein forms N246fs, N29fs, N173fs.
Identifiers: ClinVar variation 4786867 (VCV004786867.1).